The following is an entry in ClinVar:

NM_018676.4(THSD1):c.816C>T (p.Val272=)

Gene: THSD1 (thrombospondin type 1 domain containing 1; minus strand). Cytogenetic location: 13q14.3.
Variant type: single nucleotide variant.
Coding change: c.816C>T on transcript NM_018676.4 (MANE Select); coding-DNA position 816, C replaced by T.
Protein change: p.Val272=; no amino-acid change (valine 272 retained).
Molecular consequence: synonymous variant.
Genome position (GRCh38, 1-based): chr13:52,397,437, G>A on the plus strand (C>T on the coding strand, the complement: THSD1 is on the minus strand). VCF-style: chr13-52397437-G-A. GRCh37 (hg19) VCF-style: chr13-52971572-G-A.
Other names: c.816C>T, p.Val272= (NM_199263.3).
Identifiers: ClinVar variation 3038987 (VCV003038987.2), dbSNP rs143749109, ClinGen allele CA6992139.

ClinVar aggregate classification (germline): Likely benign (0 of 4 stars; one submission).

Conditions:
THSD1-related disorder. Also called: THSD1-related condition.

Allele frequency attached by ClinVar (database versions not stated): gnomAD exomes 0.00008; ExAC 0.00020; ESP Exome Variant Server 0.00069; gnomAD 0.00071; 1000 Genomes Project 30x 0.00078; 1000 Genomes Project 0.00080; TOPMed 0.00091.
gnomAD v4.1: 234 of 1,614,076 alleles (0.014%); highest among the groups gnomAD compares: African/African-American, 0.29%; 1 homozygote.

Submission:

PreventionGenetics, part of Exact Sciences
Classification: Likely benign for THSD1-related condition. Last evaluated: 2019-05-22. Review status: no assertion criteria provided. Collection method: clinical testing. Allele origin: germline.
Comment: This variant is classified as likely benign based on ACMG/AMP sequence variant interpretation guidelines (Richards et al. 2015 PMID: 25741868, with internal and published modifications).